The following is an entry in ClinVar:

NM_007194.4(CHEK2):c.1204G>A (p.Ala402Thr)

Gene: CHEK2 (checkpoint kinase 2; minus strand). Cytogenetic location: 22q12.1.
Variant type: single nucleotide variant.
Coding change: c.1204G>A on transcript NM_007194.4 (MANE Select); coding-DNA position 1204, G replaced by A.
Protein change: p.Ala402Thr; replaces alanine 402 with threonine.
Molecular consequence: missense variant.
Genome position (GRCh38, 1-based): chr22:28,695,765, C>T on the plus strand (G>A on the coding strand, the complement: CHEK2 is on the minus strand). VCF-style: chr22-28695765-C-T. GRCh37 (hg19) VCF-style: chr22-29091753-C-T.
Other names: c.1333G>A, p.Ala445Thr (NM_001005735.3); c.541G>A, p.Ala181Thr (NM_001257387.3); c.1003G>A, p.Ala335Thr (NM_001349956.3); c.1117G>A, p.Ala373Thr (NM_145862.3); short protein forms A402T, A181T, A335T, A445T, A373T.
Identifiers: ClinVar variation 240732 (VCV000240732.51), dbSNP rs758206293, ClinGen allele CA10167710.

ClinVar aggregate classification (germline): Uncertain significance. Review status: criteria provided, multiple submitters, no conflicts (2 of 4 stars). 6 submissions from 6 submitters: Uncertain significance (6). Last evaluated 2025-07-15.

Conditions:
Hereditary cancer-predisposing syndrome. Also called: Tumor predisposition; Hereditary Cancer Syndrome; Neoplastic Syndromes, Hereditary; Hereditary neoplastic syndrome. Identifiers: Orphanet 140162, MedGen C0027672, MeSH D009386, MONDO:0015356.
Familial cancer of breast. Also called: hereditary breast carcinoma; BREAST CANCER, FAMILIAL; Hereditary breast cancer. Identifiers: Orphanet 227535, MedGen C0346153, MONDO:0016419, OMIM 114480. Disease mechanism: loss of function.

Allele frequency attached by ClinVar (database versions not stated): gnomAD exomes below 0.00001 and 0.00001; ExAC 0.00001.
gnomAD v4.1: 1 of 1,613,718 alleles (0.000062%); highest among the groups gnomAD compares: Non-Finnish European, 0.000085%; no homozygotes.

Submissions (6):

Ambry Genetics
Classification: Uncertain significance for Hereditary cancer-predisposing syndrome. Last evaluated: 2025-07-15. Review status: criteria provided, single submitter. Criteria: Ambry Variant Classification Scheme 2023. Collection method: clinical testing. Allele origin: germline.
Comment: The p.A402T variant (also known as c.1204G>A), located in coding exon 10 of the CHEK2 gene, results from a G to A substitution at nucleotide position 1204. The alanine at codon 402 is replaced by threonine, an amino acid with similar properties. This amino acid position is not well conserved in available vertebrate species. In addition, this alteration is predicted to be tolerated by in silico analysis. Since supporting evidence is limited at this time, the clinical significance of this alteration remains unclear.

Labcorp Genetics (formerly Invitae), Labcorp
Classification: Uncertain significance for Familial cancer of breast. Last evaluated: 2024-10-09. Review status: criteria provided, single submitter. Criteria: Invitae Variant Classification Sherloc (09022015). Collection method: clinical testing. Allele origin: germline.
Comment: This sequence change replaces alanine, which is neutral and non-polar, with threonine, which is neutral and polar, at codon 402 of the CHEK2 protein (p.Ala402Thr). This variant is present in population databases (rs758206293, gnomAD 0.002%). This variant has not been reported in the literature in individuals affected with CHEK2-related conditions. ClinVar contains an entry for this variant (Variation ID: 240732). An algorithm developed to predict the effect of missense changes on protein structure and function outputs the following: PolyPhen-2: "Benign". The threonine amino acid residue is found in multiple mammalian species, which suggests that this missense change does not adversely affect protein function. In summary, the available evidence is currently insufficient to determine the role of this variant in disease. Therefore, it has been classified as a Variant of Uncertain Significance.

Baylor Genetics
Classification: Uncertain significance for Familial cancer of breast. Last evaluated: 2023-06-21. Review status: criteria provided, single submitter. Criteria: ACMG Guidelines, 2015. Collection method: clinical testing. Allele origin: unknown.

CeGaT Center for Human Genetics Tuebingen
Classification: Uncertain significance. Last evaluated: 2022-07-01. Review status: criteria provided, single submitter. Criteria: CeGaT Center For Human Genetics Tuebingen Variant Classification Criteria Version 2. Collection method: clinical testing. Allele origin: germline. Affected: yes. Observed: 1 variant allele.
Comment: CHEK2: PM2, BP1, BP4

Color Diagnostics, LLC DBA Color Health
Classification: Uncertain significance for Hereditary cancer-predisposing syndrome. Last evaluated: 2020-10-19. Review status: criteria provided, single submitter. Criteria: ACMG Guidelines, 2015. Collection method: clinical testing. Allele origin: germline.
Comment: This missense variant replaces alanine with threonine at codon 402 of the CHEK2 protein. Computational prediction suggests that this variant may not impact protein structure and function (internally defined REVEL score threshold <= 0.5, PMID: 27666373). To our knowledge, functional studies have not been reported for this variant. This variant has not been reported in individuals affected with hereditary cancer in the literature. This variant has been identified in 2/250958 chromosomes in the general population by the Genome Aggregation Database (gnomAD). The available evidence is insufficient to determine the role of this variant in disease conclusively. Therefore, this variant is classified as a Variant of Uncertain Significance.

Quest Diagnostics Nichols Institute San Juan Capistrano
Classification: Uncertain significance. Last evaluated: 2019-11-29. Review status: criteria provided, single submitter. Criteria: Quest Diagnostics criteria. Collection method: clinical testing. Allele origin: unknown.